The following is an entry in ClinVar:

NM_000234.3(LIG1):c.1091G>T (p.Arg364Leu)

Gene: LIG1 (DNA ligase 1; minus strand). Cytogenetic location: 19q13.33.
Variant type: single nucleotide variant.
Coding change: c.1091G>T on transcript NM_000234.3 (MANE Select); coding-DNA position 1091, G replaced by T.
Protein change: p.Arg364Leu; replaces arginine 364 with leucine.
Molecular consequence: missense variant. On other transcripts: non-coding transcript variant (6).
Genome position (GRCh38, 1-based): chr19:48,137,685, C>A on the plus strand (G>T on the coding strand, the complement: LIG1 is on the minus strand). VCF-style: chr19-48137685-C-A. GRCh37 (hg19) VCF-style: chr19-48640942-C-A.
Other names: c.998G>T, p.Arg333Leu (NM_001289063.2); c.887G>T, p.Arg296Leu (NM_001289064.2); c.1088G>T, p.Arg363Leu (NM_001320970.2); c.1001G>T, p.Arg334Leu (NM_001320971.2); short protein forms R363L, R296L, R364L, R333L, R334L.
Identifiers: ClinVar variation 2130285 (VCV002130285.4), dbSNP rs766064327, ClinGen allele CA406649715.

ClinVar aggregate classification (germline): Uncertain significance (1 of 4 stars; one submission).

Allele frequency attached by ClinVar (database versions not stated): gnomAD 0.00001.
gnomAD v4.1: 3 of 1,602,518 alleles (0.00019%); highest among the groups gnomAD compares: African/African-American, 0.004%; no homozygotes.

Submission:

Labcorp Genetics (formerly Invitae), Labcorp
Classification: Uncertain significance. Last evaluated: 2022-04-24. Review status: criteria provided, single submitter. Criteria: Invitae Variant Classification Sherloc (09022015). Collection method: clinical testing. Allele origin: germline.
Comment: This variant has not been reported in the literature in individuals affected with LIG1-related conditions. This sequence change replaces arginine, which is basic and polar, with leucine, which is neutral and non-polar, at codon 364 of the LIG1 protein (p.Arg364Leu). This variant is present in population databases (no rsID available, gnomAD 0.007%). Algorithms developed to predict the effect of missense changes on protein structure and function (SIFT, PolyPhen-2, Align-GVGD) all suggest that this variant is likely to be disruptive. In summary, the available evidence is currently insufficient to determine the role of this variant in disease. Therefore, it has been classified as a Variant of Uncertain Significance.